The following is an entry in ClinVar:

NM_000744.7(CHRNA4):c.1048G>A (p.Asp350Asn)

Gene: CHRNA4 (cholinergic receptor nicotinic alpha 4 subunit; minus strand). Cytogenetic location: 20q13.33.
Variant type: single nucleotide variant.
Coding change: c.1048G>A on transcript NM_000744.7 (MANE Select); coding-DNA position 1048, G replaced by A.
Protein change: p.Asp350Asn; replaces aspartic acid 350 with asparagine.
Molecular consequence: missense variant. On other transcripts: non-coding transcript variant (1).
Genome position (GRCh38, 1-based): chr20:63,350,363, C>T on the plus strand (G>A on the coding strand, the complement: CHRNA4 is on the minus strand). VCF-style: chr20-63350363-C-T. GRCh37 (hg19) VCF-style: chr20-61981715-C-T.
Other names: c.520G>A, p.Asp174Asn (NM_001256573.2); short protein forms D174N, D350N.
Identifiers: ClinVar variation 3373693 (VCV003373693.1).
Genomic context (GRCh38, chr20:63,350,363, plus strand): 5'-GCCGGCAATTGTCCTTGACCACGGACGGCCGCTTCATGAGGAGCAGGCGTGGCACGATGT[C>T]CAGGAAGACCCTGCGTACCCAGGTGGGCATGGTGTGCGTGCGTGGCGAGCGGTGGTGCAC-3'
Protein context (NP_000735.1, residues 340-360): MPTWVRRVFL[Asp350Asn]IVPRLLLMKR

ClinVar aggregate classification (germline): Uncertain significance (1 of 4 stars; one submission).

Submission:

GeneDx
Classification: Uncertain significance. Last evaluated: 2024-03-04. Review status: criteria provided, single submitter. Criteria: GeneDx Variant Classification Process June 2021. Collection method: clinical testing. Allele origin: germline. Affected: yes.
Comment: Not observed at significant frequency in large population cohorts (gnomAD); In silico analysis supports that this missense variant does not alter protein structure/function; Has not been previously published as pathogenic or benign to our knowledge